The following is an entry in ClinVar:

NM_000064.4(C3):c.1988C>G (p.Pro663Arg)

Gene: C3 (complement C3; minus strand). Cytogenetic location: 19p13.3.
Variant type: single nucleotide variant.
Coding change: c.1988C>G on transcript NM_000064.4 (MANE Select); coding-DNA position 1988, C replaced by G.
Protein change: p.Pro663Arg; replaces proline 663 with arginine.
Molecular consequence: missense variant.
Genome position (GRCh38, 1-based): chr19:6,707,525, G>C on the plus strand (C>G on the coding strand, the complement: C3 is on the minus strand). VCF-style: chr19-6707525-G-C. GRCh37 (hg19) VCF-style: chr19-6707536-G-C.
Other names: p.Pro663Arg; short protein forms P663R.
Identifiers: ClinVar variation 1501947 (VCV001501947.15), dbSNP rs112187261, ClinGen allele CA9129234.

ClinVar aggregate classification (germline): Uncertain significance. Review status: criteria provided, multiple submitters, no conflicts (2 of 4 stars). 5 submissions from 5 submitters: Uncertain significance (4). 1 of the submissions does not count toward it. Last evaluated 2025-10-14.

Conditions:
C3-related disorder. Also called: C3-related condition.
Complement component 3 deficiency. Identifiers: Orphanet 280133, MedGen C3151071, MONDO:0013417, OMIM 613779.
Atypical hemolytic-uremic syndrome with C3 anomaly. Also called: AHUS, SUSCEPTIBILITY TO, 5. Identifiers: Orphanet 2134, MedGen C2752037, MONDO:0013043, OMIM 612925.
Age related macular degeneration 9. Identifiers: MedGen C1969651, MONDO:0012659, OMIM 611378.
Retinal dystrophy. Also called: Inherited retinal dystrophy. Identifiers: Orphanet 71862, MedGen C0854723, MeSH D058499, MONDO:0019118, HP:0000556.

Allele frequency attached by ClinVar (database versions not stated): ExAC 0.00003; gnomAD exomes 0.00005 and 0.00013; gnomAD 0.00006; ESP Exome Variant Server 0.00015.
gnomAD v4.1: 196 of 1,613,854 alleles (0.012%); highest among the groups gnomAD compares: Non-Finnish European, 0.016%; no homozygotes.

Submissions (5):

Labcorp Genetics (formerly Invitae), Labcorp
Classification: Uncertain significance. Last evaluated: 2025-10-14. Review status: criteria provided, single submitter. Criteria: Invitae Variant Classification Sherloc (09022015). Collection method: clinical testing. Allele origin: germline.
Comment: This sequence change replaces proline, which is neutral and non-polar, with arginine, which is basic and polar, at codon 663 of the C3 protein (p.Pro663Arg). This variant is present in population databases (rs112187261, gnomAD 0.01%). This variant has not been reported in the literature in individuals affected with C3-related conditions. ClinVar contains an entry for this variant (Variation ID: 1501947). Invitae Evidence Modeling of protein sequence and biophysical properties (such as structural, functional, and spatial information, amino acid conservation, physicochemical variation, residue mobility, and thermodynamic stability) indicates that this missense variant is not expected to disrupt C3 protein function with a negative predictive value of 80%. In summary, the available evidence is currently insufficient to determine the role of this variant in disease. Therefore, it has been classified as a Variant of Uncertain Significance.

PreventionGenetics, part of Exact Sciences
Classification: Uncertain significance for C3-related condition. Last evaluated: 2025-06-01. Review status: criteria provided, single submitter. Criteria: ACMG Guidelines, 2015. Collection method: clinical testing. Allele origin: germline.
Comment: The C3 c.1988C>G variant is predicted to result in the amino acid substitution p.Pro663Arg. To our knowledge, this variant has not been reported in the literature. This variant is reported in 0.013% of alleles in individuals of South Asian descent in gnomAD. At this time, the clinical significance of this variant is uncertain due to the absence of conclusive functional and genetic evidence.

Fulgent Genetics
Classification: Uncertain significance for Age related macular degeneration 9; Atypical hemolytic-uremic syndrome with C3 anomaly; Complement component 3 deficiency. Last evaluated: 2024-04-08. Review status: criteria provided, single submitter. Criteria: ACMG Guidelines, 2015. Collection method: clinical testing. Allele origin: germline.

Mayo Clinic Laboratories, Mayo Clinic
Classification: Uncertain significance. Last evaluated: 2021-06-22. Review status: criteria provided, single submitter. Criteria: ACMG Guidelines, 2015. Collection method: clinical testing. Allele origin: germline.

Institute of Human Genetics, Univ. Regensburg, Univ. Regensburg
Classification: Uncertain significance for Retinal dystrophy. Last evaluated: 2023-01-01. Review status: no assertion criteria provided. Criteria: ACMG Guidelines, 2015. Collection method: clinical testing. Allele origin: germline. Affected: yes. Not counted in ClinVar's aggregate classification.